The following is an entry in ClinVar:

NM_000264.5(PTCH1):c.1927C>T (p.Pro643Ser)

Genes: PTCH1 (patched 1; minus strand), LOC100507346 (uncharacterized LOC100507346; plus strand). Cytogenetic location: 9q22.32.
Variant type: single nucleotide variant.
Coding change: c.1927C>T on transcript NM_000264.5 (MANE Select); coding-DNA position 1927, C replaced by T.
Protein change: p.Pro643Ser; replaces proline 643 with serine.
Molecular consequence: missense variant. On other transcripts: non-coding transcript variant (2).
Genome position (GRCh38, 1-based): chr9:95,469,074, G>A on the plus strand (C>T on the coding strand, the complement: PTCH1 is on the minus strand). VCF-style: chr9-95469074-G-A. GRCh37 (hg19) VCF-style: chr9-98231356-G-A.
Other names: c.1729C>T, p.Pro577Ser (NM_001083602.3); c.1924C>T, p.Pro642Ser (NM_001083603.3); c.1474C>T, p.Pro492Ser (NM_001083604.3, NM_001083605.3, NM_001083606.3 and 1 more transcripts); c.1771C>T, p.Pro591Ser (NM_001354918.2); short protein forms P577S, P492S, P591S, P642S, P643S.
Identifiers: ClinVar variation 820359 (VCV000820359.5), dbSNP rs1588575445, ClinGen allele CA374116030.

ClinVar aggregate classification (germline): Uncertain significance (1 of 4 stars; one submission).

Conditions:
Hereditary cancer-predisposing syndrome. Also called: Neoplastic Syndromes, Hereditary; Tumor predisposition; Hereditary Cancer Syndrome; Hereditary neoplastic syndrome. Identifiers: Orphanet 140162, MedGen C0027672, MeSH D009386, MONDO:0015356.

Submission:

Ambry Genetics
Classification: Uncertain significance for Hereditary cancer-predisposing syndrome. Last evaluated: 2023-08-09. Review status: criteria provided, single submitter. Criteria: Ambry Variant Classification Scheme 2023. Collection method: clinical testing. Allele origin: germline.
Comment: The p.P643S variant (also known as c.1927C>T), located in coding exon 14 of the PTCH1 gene, results from a C to T substitution at nucleotide position 1927. The proline at codon 643 is replaced by serine, an amino acid with similar properties. This amino acid position is highly conserved in available vertebrate species. In addition, the in silico prediction for this alteration is inconclusive. Since supporting evidence is limited at this time, the clinical significance of this alteration remains unclear.